The following is an entry in ClinVar:

NM_020778.5(ALPK3):c.3628C>T (p.Arg1210Trp)

Gene: ALPK3 (alpha kinase 3; plus strand). Cytogenetic location: 15q25.3.
Variant type: single nucleotide variant.
Coding change: c.3628C>T on transcript NM_020778.5 (MANE Select); coding-DNA position 3628, C replaced by T.
Protein change: p.Arg1210Trp; replaces arginine 1210 with tryptophan.
Molecular consequence: missense variant.
Genome position (GRCh38, 1-based): chr15:84,858,366, C>T. VCF-style: chr15-84858366-C-T. GRCh37 (hg19) VCF-style: chr15-85401597-C-T.
Other names: short protein forms R1412W, R1210W.
Identifiers: ClinVar variation 383786 (VCV000383786.24), dbSNP rs55752937, ClinGen allele CA7709679.
Genomic context (GRCh38, chr15:84,858,366, plus strand): 5'-ACGGTTTCCCCCCGGGGGCCCAGGAAAAGCCTGGTGCCTGGGTCCCCAGGGACTCCAGGG[C>T]GGGAGAGACGCTCCCCTACGCAGGGCAGAAAGGCGAGCATGCTGGAGGTGCCTCGGGCAG-3'
Protein context (NP_065829.4, residues 1200-1220): LVPGSPGTPG[Arg1210Trp]ERRSPTQGRK

ClinVar aggregate classification (germline): Benign/Likely benign. Review status: criteria provided, multiple submitters, no conflicts (2 of 4 stars). 10 submissions from 10 submitters: Benign (8); Likely benign (2). Last evaluated 2026-02-04.

Conditions:
Cardiovascular phenotype. Identifiers: MedGen CN230736.
Cardiomyopathy, familial hypertrophic 27. Identifiers: MedGen C4748014, MONDO:0054838, OMIM 618052.

Allele frequency attached by ClinVar (database versions not stated): gnomAD exomes 0.01170; ExAC 0.01751; gnomAD 0.02231 and 0.02339; 1000 Genomes Project 0.02236; 1000 Genomes Project 30x 0.02327; ESP Exome Variant Server 0.02370; TOPMed 0.02528.
gnomAD v4.1: 19,484 of 1,554,078 alleles (1.3%); highest among the groups gnomAD compares: African/African-American, 5.5%; 229 homozygotes.

Submissions (18):

Labcorp Genetics (formerly Invitae), Labcorp
Classification: Benign. Last evaluated: 2026-02-04. Review status: criteria provided, single submitter. Criteria: Invitae Variant Classification Sherloc (09022015). Collection method: clinical testing. Allele origin: germline.

ARUP Laboratories, Molecular Genetics and Genomics, ARUP Laboratories
Classification: Benign for Cardiomyopathy, familial hypertrophic 27. Last evaluated: 2025-07-28. Review status: criteria provided, single submitter. Criteria: ARUP Molecular Germline Variant Investigation Process 2024. Collection method: clinical testing. Allele origin: germline.

Molecular Diagnostic Laboratory for Inherited Cardiovascular Disease, Montreal Heart Institute
Classification: Benign. Last evaluated: 2025-07-24. Review status: criteria provided, single submitter. Criteria: ACMG Guidelines, 2015. Collection method: clinical testing. Allele origin: germline. Affected: no.

Blueprint Genetics
Classification: Likely benign. Last evaluated: 2024-11-27. Review status: criteria provided, single submitter. Criteria: ACMG Guidelines, 2015. Collection method: clinical testing. Allele origin: germline.

Women's Health and Genetics/Laboratory Corporation of America, LabCorp
Classification: Likely benign. Last evaluated: 2023-08-19. Review status: criteria provided, single submitter. Criteria: LabCorp Variant Classification Summary - May 2015. Collection method: clinical testing. Allele origin: germline.

Mayo Clinic Laboratories, Mayo Clinic
Classification: Benign. Last evaluated: 2023-02-04. Review status: criteria provided, single submitter. Criteria: ACMG Guidelines, 2015. Collection method: clinical testing. Allele origin: germline. Observed: 27 variant alleles.

Ambry Genetics
Classification: Benign for Cardiovascular phenotype. Last evaluated: 2018-12-26. Review status: criteria provided, single submitter. Criteria: Ambry Variant Classification Scheme 2023. Collection method: clinical testing. Allele origin: germline.

Laboratory for Molecular Medicine, Mass General Brigham Personalized Medicine
Classification: Benign. Last evaluated: 2018-01-23. Review status: criteria provided, single submitter. Criteria: LMM Criteria. Collection method: clinical testing. Allele origin: germline. Observed: 4 variant alleles.
Comment: p.Arg1412Trp in exon 6 of ALPK3: This variant is not expected to have clinical s ignificance because it has been identified in 7.4% (153/2070) of African chromos omes by the Exome Aggregation Consortium (ExAC; dbSNP rs55752937).

GeneDx
Classification: Benign. Last evaluated: 2016-10-03. Review status: criteria provided, single submitter. Criteria: GeneDx Variant Classification (06012015). Collection method: clinical testing. Allele origin: germline. Affected: yes.
Comment: This variant is considered likely benign or benign based on one or more of the following criteria: it is a conservative change, it occurs at a poorly conserved position in the protein, it is predicted to be benign by multiple in silico algorithms, and/or has population frequency not consistent with disease.

Breakthrough Genomics
Classification: Benign. Review status: criteria provided, single submitter. Criteria: ACMG Guidelines, 2015. Collection method: not provided. Allele origin: germline. Inheritance: Autosomal recessive inheritance. Affected: yes.

Dr. Peter K. Rogan Lab, Western University
No classification provided (evidence only). Condition: Lung cancer. Review status: no classification provided. Collection method: in vitro. Allele origin: not applicable. Functional consequence: retained intron. Not counted in ClinVar's aggregate classification.

Dr. Peter K. Rogan Lab, Western University
No classification provided (evidence only). Condition: Acute myeloid leukemia. Review status: no classification provided. Collection method: in vitro. Allele origin: not applicable. Functional consequence: retained intron. Not counted in ClinVar's aggregate classification.

Dr. Peter K. Rogan Lab, Western University
No classification provided (evidence only). Condition: Acute myeloid leukemia. Review status: no classification provided. Collection method: in vitro. Allele origin: not applicable. Functional consequence: retained intron. Not counted in ClinVar's aggregate classification.

Dr. Peter K. Rogan Lab, Western University
No classification provided (evidence only). Condition: Uterine corpus endometrial carcinoma. Review status: no classification provided. Collection method: in vitro. Allele origin: not applicable. Functional consequence: retained intron. Not counted in ClinVar's aggregate classification.

Dr. Peter K. Rogan Lab, Western University
No classification provided (evidence only). Condition: Hepatocellular carcinoma. Review status: no classification provided. Collection method: in vitro. Allele origin: not applicable. Functional consequence: retained intron. Not counted in ClinVar's aggregate classification.

Dr. Peter K. Rogan Lab, Western University
No classification provided (evidence only). Condition: Ovarian serous cystadenocarcinoma. Review status: no classification provided. Collection method: in vitro. Allele origin: not applicable. Functional consequence: retained intron. Not counted in ClinVar's aggregate classification.

Dr. Peter K. Rogan Lab, Western University
No classification provided (evidence only). Condition: Uterine carcinosarcoma. Review status: no classification provided. Collection method: in vitro. Allele origin: not applicable. Functional consequence: retained intron. Not counted in ClinVar's aggregate classification.

Dr. Peter K. Rogan Lab, Western University
No classification provided (evidence only). Condition: Malignant tumor of esophagus. Review status: no classification provided. Collection method: in vitro. Allele origin: not applicable. Functional consequence: retained intron. Not counted in ClinVar's aggregate classification.